The following is an entry in ClinVar:

ClinVar aggregate classification (germline): Uncertain significance (1 of 4 stars; one submission).

Allele frequency attached by ClinVar (database versions not stated): gnomAD exomes below 0.00001; TOPMed below 0.00001; gnomAD 0.00001.
gnomAD v4.1: 9 of 1,614,090 alleles (0.00056%); highest among the groups gnomAD compares: African/African-American, 0.0027%; no homozygotes.

Submission:

Labcorp Genetics (formerly Invitae), Labcorp
Classification: Uncertain significance. Last evaluated: 2023-06-25. Review status: criteria provided, single submitter. Criteria: Invitae Variant Classification Sherloc (09022015). Collection method: clinical testing. Allele origin: germline.
Comment: This sequence change replaces proline, which is neutral and non-polar, with leucine, which is neutral and non-polar, at codon 736 of the ALPK1 protein (p.Pro736Leu). In summary, the available evidence is currently insufficient to determine the role of this variant in disease. Therefore, it has been classified as a Variant of Uncertain Significance. Advanced modeling of protein sequence and biophysical properties (such as structural, functional, and spatial information, amino acid conservation, physicochemical variation, residue mobility, and thermodynamic stability) performed at Invitae indicates that this missense variant is not expected to disrupt ALPK1 protein function. This variant has not been reported in the literature in individuals affected with ALPK1-related conditions. This variant is not present in population databases (gnomAD no frequency).

NM_025144.4(ALPK1):c.2207C>T (p.Pro736Leu)

Gene: ALPK1 (alpha kinase 1; plus strand). Cytogenetic location: 4q25.
Variant type: single nucleotide variant.
Coding change: c.2207C>T on transcript NM_025144.4 (MANE Select); coding-DNA position 2207, C replaced by T.
Protein change: p.Pro736Leu; replaces proline 736 with leucine.
Molecular consequence: missense variant.
Genome position (GRCh38, 1-based): chr4:112,431,754, C>T. VCF-style: chr4-112431754-C-T. GRCh37 (hg19) VCF-style: chr4-113352910-C-T.
Other names: c.2207C>T, p.Pro736Leu (NM_001102406.2); c.1973C>T, p.Pro658Leu (NM_001253884.2); short protein forms P658L, P736L.
Identifiers: ClinVar variation 2872571 (VCV002872571.3), dbSNP rs929976252, ClinGen allele CA103763650.